The following is an entry in ClinVar:

NM_012233.3(RAB3GAP1):c.*404C>T

Gene: RAB3GAP1 (RAB3 GTPase activating protein catalytic subunit 1; plus strand). Cytogenetic location: 2q21.3.
Variant type: single nucleotide variant.
Coding change: c.*404C>T on transcript NM_012233.3 (MANE Select); 404 bases downstream of the stop codon, C replaced by T.
Molecular consequence: 3 prime UTR variant.
Genome position (GRCh38, 1-based): chr2:135,169,185, C>T. VCF-style: chr2-135169185-C-T. GRCh37 (hg19) VCF-style: chr2-135926755-C-T.
Other names: c.*404C>T (NM_001172435.2).
Identifiers: ClinVar variation 331142 (VCV000331142.6), dbSNP rs149483456, ClinGen allele CA10612259.
Genomic context (GRCh38, chr2:135,169,185, plus strand): 5'-GCGGCTGCATTCGTGGTCTGTGCAAACACTTCGTGGTTCTATATATCAGCAGCAAGTGTG[C>T]AAAATAAAGGACCTGTTAACTCAGATTTCTGGATATTTTGGTGGTAGCTTCTAGTCCCAG-3'

ClinVar aggregate classification (germline): Benign. Review status: criteria provided, multiple submitters, no conflicts (2 of 4 stars). 2 submissions from 2 submitters: Benign (2). Last evaluated 2018-01-12.

Conditions:
Warburg micro syndrome 1 (WARBM1). Identifiers: Orphanet 2510, MedGen C1838625, MONDO:0010822, OMIM 600118.

Allele frequency attached by ClinVar (database versions not stated): 1000 Genomes Project 0.00799; TOPMed 0.00169; gnomAD 0.00256 and 0.00180; 1000 Genomes Project 30x 0.00734; gnomAD exomes 0.00557.
gnomAD v4.1: 1,062 of 272,410 alleles (0.39%); highest among the groups gnomAD compares: South Asian, 2.6%; 12 homozygotes.

Submissions (2):

Illumina Laboratory Services, Illumina
Classification: Benign for Warburg micro syndrome 1. Last evaluated: 2018-01-12. Review status: criteria provided, single submitter. Criteria: ICSL Variant Classification Criteria 13 December 2019. Collection method: clinical testing. Allele origin: germline.
Comment: This variant was observed in the ICSL laboratory as part of a predisposition screen in an ostensibly healthy population. It had not been previously curated by ICSL or reported in the Human Gene Mutation Database (HGMD: prior to June 1st, 2018), and was therefore a candidate for classification through an automated scoring system. Utilizing variant allele frequency, disease prevalence and penetrance estimates, and inheritance mode, an automated score was calculated to assess if this variant is too frequent to cause the disease. Based on the score and internal cut-off values, a variant classified as benign is not then subjected to further curation. The score for this variant resulted in a classification of benign for this disease.

Breakthrough Genomics
Classification: Benign. Review status: criteria provided, single submitter. Criteria: ACMG Guidelines, 2015. Collection method: not provided. Allele origin: germline. Inheritance: Autosomal recessive inheritance. Affected: yes.